The following is an entry in ClinVar:

NM_003848.4(SUCLG2):c.11C>T (p.Pro4Leu)

Gene: SUCLG2 (succinate-CoA ligase GDP-forming subunit beta; minus strand). Cytogenetic location: 3p14.1.
Variant type: single nucleotide variant.
Coding change: c.11C>T on transcript NM_003848.4 (MANE Select); coding-DNA position 11, C replaced by T.
Protein change: p.Pro4Leu; replaces proline 4 with leucine.
Molecular consequence: missense variant.
Genome position (GRCh38, 1-based): chr3:67,654,576, G>A on the plus strand (C>T on the coding strand, the complement: SUCLG2 is on the minus strand). VCF-style: chr3-67654576-G-A. GRCh37 (hg19) VCF-style: chr3-67705000-G-A.
Other names: c.11C>T, p.Pro4Leu (NM_001177599.2); c.11C>T (NM_001177599.1); short protein forms P4L.
Identifiers: ClinVar variation 3689359 (VCV003689359.3).
Genomic context (GRCh38, chr3:67,654,576, plus strand): 5'-GCCAGGAAGCGGGGCCGCAGCGCTAGGGCTCGCAGAAGCTTCCCGGCCTGCGCTGCTACG[G>A]GGGACGCCATCTTAAACAGGAAACTCGGCACGGGGCAGTAGGGCGGGCGCGGGCAGGGGA-3'
Protein context (NP_003839.2, residues 1-14): MAS[Pro4Leu]VAAQAGKLLR

ClinVar aggregate classification (germline): Uncertain significance. Review status: criteria provided, multiple submitters, no conflicts (2 of 4 stars). 2 submissions from 2 submitters: Uncertain significance (2). Last evaluated 2025-09-05.

gnomAD v4.1: 9 of 1,274,896 alleles (0.00071%); highest among the groups gnomAD compares: African/African-American, 0.003%; no homozygotes.

Submissions (2):

Ambry Genetics
Classification: Uncertain significance. Last evaluated: 2025-09-05. Review status: criteria provided, single submitter. Criteria: Ambry Variant Classification Scheme 2023. Collection method: clinical testing. Allele origin: germline.

Labcorp Genetics (formerly Invitae), Labcorp
Classification: Uncertain significance. Last evaluated: 2024-08-06. Review status: criteria provided, single submitter. Criteria: Invitae Variant Classification Sherloc (09022015). Collection method: clinical testing. Allele origin: germline.
Comment: This sequence change replaces proline, which is neutral and non-polar, with leucine, which is neutral and non-polar, at codon 4 of the SUCLG2 protein (p.Pro4Leu). The frequency data for this variant in the population databases is considered unreliable, as metrics indicate poor data quality at this position in the gnomAD database. This variant has not been reported in the literature in individuals affected with SUCLG2-related conditions. An algorithm developed to predict the effect of missense changes on protein structure and function (PolyPhen-2) suggests that this variant is likely to be disruptive. In summary, the available evidence is currently insufficient to determine the role of this variant in disease. Therefore, it has been classified as a Variant of Uncertain Significance.